The following is an entry in ClinVar:

ClinVar aggregate classification (germline): Uncertain significance (1 of 4 stars; one submission).

Conditions:
Hereditary spastic paraplegia 74. Also called: Spastic paraplegia 74, autosomal recessive. Identifiers: Orphanet 468661, MedGen C5568837, MONDO:0014644, OMIM 616451.
Multiple mitochondrial dysfunctions syndrome 3 (MMDS3). Identifiers: Orphanet 363424, MedGen C3809165, MONDO:0014132, OMIM 615330.

Submission:

Juno Genomics, Hangzhou Juno Genomics, Inc
Classification: Uncertain significance for Hereditary spastic paraplegia 74; Multiple mitochondrial dysfunctions syndrome 3. Review status: criteria provided, single submitter. Criteria: ACMG Guidelines, 2015. Collection method: clinical testing. Allele origin: germline.
Comment: Absent from controls (or at extremely low frequency if recessive) in Genome Aggregation Database.;Protein length changes due to in-frame deletions/insertions in a non-repeat region or stop-loss variants.

NM_001010867.4(IBA57):c.973_975del (p.Glu325del)

Gene: IBA57 (iron-sulfur cluster assembly factor IBA57; plus strand). Cytogenetic location: 1q42.13.
Variant type: Deletion.
Coding change: c.973_975del on transcript NM_001010867.4 (MANE Select); coding-DNA positions 973 to 975, 3 bases deleted (GAG; older notation c.973_975delGAG).
Protein change: p.Glu325del; deletes glutamic acid 325.
Molecular consequence: inframe deletion.
Genome position (GRCh38, 1-based): chr1:228,175,415-228,175,417, GAG deleted. VCF-style (leftmost placement, unchanged base first): chr1-228175414-AGAG-A. GRCh37 (hg19) VCF-style: chr1-228363115-AGAG-A.
Other names: c.394_396del, p.Glu132del (NM_001310327.2); short protein forms E325del, E132del.
Identifiers: ClinVar variation 5006213 (VCV005006213.2).